The following is an entry in ClinVar:

ClinVar aggregate classification (germline): Benign/Likely benign. Review status: criteria provided, multiple submitters, no conflicts (2 of 4 stars). 3 submissions from 3 submitters: Benign (1); Likely benign (2). Last evaluated 2019-12-31.

Conditions:
Long QT syndrome (LQTS). Identifiers: MedGen C0023976, MeSH D008133, MONDO:0002442. Disease mechanism: loss of function. Inheritance: Various modes of inheritance.

Allele frequency attached by ClinVar (database versions not stated): gnomAD 0.02059 and 0.02403; gnomAD exomes 0.02087; TOPMed 0.02803; 1000 Genomes Project 30x 0.05512; 1000 Genomes Project 0.05611.
gnomAD v4.1: 31,498 of 1,476,170 alleles (2.1%); highest among the groups gnomAD compares: East Asian, 14%; 1,062 homozygotes.

Submissions (3):

Labcorp Genetics (formerly Invitae), Labcorp
Classification: Benign for Long QT syndrome. Last evaluated: 2019-12-31. Review status: criteria provided, single submitter. Criteria: Invitae Variant Classification Sherloc (09022015). Collection method: clinical testing. Allele origin: germline.

GeneDx
Classification: Likely benign. Last evaluated: 2018-06-19. Review status: criteria provided, single submitter. Criteria: GeneDx Variant Classification (06012015). Collection method: clinical testing. Allele origin: germline. Affected: yes.
Comment: This variant is considered likely benign or benign based on one or more of the following criteria: it is a conservative change, it occurs at a poorly conserved position in the protein, it is predicted to be benign by multiple in silico algorithms, and/or has population frequency not consistent with disease.

Breakthrough Genomics
Classification: Likely benign. Review status: criteria provided, single submitter. Criteria: ACMG Guidelines, 2015. Collection method: not provided. Allele origin: germline. Inheritance: Autosomal dominant inheritance. Affected: yes.

NM_000719.7(CACNA1C):c.1669+54G>A

Gene: CACNA1C (calcium voltage-gated channel subunit alpha1 C; plus strand). Cytogenetic location: 12p13.33.
Variant type: single nucleotide variant.
Coding change: c.1669+54G>A on transcript NM_000719.7 (MANE Select); 54 bases into the intron after coding-DNA position 1669, G replaced by A.
Molecular consequence: intron variant.
Genome position (GRCh38, 1-based): chr12:2,566,636, G>A. VCF-style: chr12-2566636-G-A. GRCh37 (hg19) VCF-style: chr12-2675802-G-A.
Other names: c.1669+54G>A (NM_001167624.3, NM_001167623.2, NM_001167625.2 and 18 more transcripts); c.1660+54G>A (NM_001129844.2).
Identifiers: ClinVar variation 673334 (VCV000673334.6), dbSNP rs2283325, ClinGen allele CA231614165.